The following is an entry in ClinVar:

NM_181882.3(PRX):c.1194T>C (p.Leu398=)

Gene: PRX (periaxin; minus strand). Cytogenetic location: 19q13.2.
Variant type: single nucleotide variant.
Coding change: c.1194T>C on transcript NM_181882.3 (MANE Select); coding-DNA position 1194, T replaced by C.
Protein change: p.Leu398=; no amino-acid change (leucine 398 retained).
Molecular consequence: synonymous variant. On other transcripts: 3 prime UTR variant (1).
Genome position (GRCh38, 1-based): chr19:40,397,158, A>G on the plus strand (T>C on the coding strand, the complement: PRX is on the minus strand). VCF-style: chr19-40397158-A-G. GRCh37 (hg19) VCF-style: chr19-40903065-A-G.
Other names: c.1479T>C, p.Leu493= (NM_001411127.1); c.*1399T>C (NM_020956.2).
Identifiers: ClinVar variation 4682306 (VCV004682306.1).
Genomic context (GRCh38, chr19:40,397,158, plus strand): 5'-GGGCAGCTTCAGCTTGCTCTCTACAACTTCAGGAGCAGCGGGCCGGGGCTCCAAGAGGGA[A>G]AGCCCAAAGGTGGGCATTCGAAGTCTGGGACCTTTCACCCTGGCCTCAGGGCTGACCTTG-3'
Protein context (NP_870998.2, residues 388-408): GPRLRMPTFG[Leu398=]SLLEPRPAAP

ClinVar aggregate classification (germline): Uncertain significance (1 of 4 stars; one submission).

Submission:

Athena Diagnostics
Classification: Uncertain significance. Last evaluated: 2024-12-10. Review status: criteria provided, single submitter. Criteria: Athena Diagnostics Criteria. Collection method: clinical testing. Allele origin: unknown.
Comment: Available data are insufficient to determine the clinical significance of the variant at this time. This variant has not been reported in large, multi-ethnic general populations. Computational tools yielded predictions that this variant is unlikely to have an effect on normal RNA splicing.